The following is an entry in ClinVar:

ClinVar aggregate classification (germline): Benign. Review status: criteria provided, multiple submitters, no conflicts (2 of 4 stars). 5 submissions from 5 submitters: Benign (2). 3 of the submissions do not count toward it. Last evaluated 2026-02-04.

Conditions:
CRLF1-related disorder. Also called: CRLF1-related condition.

Allele frequency attached by ClinVar (database versions not stated): gnomAD exomes 0.65524 and 0.65696; gnomAD 0.72948 and 0.73872; TOPMed 0.73398; ESP Exome Variant Server 0.74405; ExAC 0.66684; 1000 Genomes Project 0.72065; 1000 Genomes Project 30x 0.72174.
gnomAD v4.1: 1,064,888 of 1,607,734 alleles (66%); highest among the groups gnomAD compares: African/African-American, 92%; 356,548 homozygotes.

Submissions (6):

Labcorp Genetics (formerly Invitae), Labcorp
Classification: Benign. Last evaluated: 2026-02-04. Review status: criteria provided, single submitter. Criteria: Invitae Variant Classification Sherloc (09022015). Collection method: clinical testing. Allele origin: germline.

Breakthrough Genomics
Classification: Benign. Review status: criteria provided, single submitter. Criteria: ACMG Guidelines, 2015. Collection method: not provided. Allele origin: germline. Inheritance: Autosomal recessive inheritance. Affected: yes.

PreventionGenetics, part of Exact Sciences
Classification: Benign for CRLF1-related condition. Last evaluated: 2023-07-24. Review status: no assertion criteria provided. Collection method: clinical testing. Allele origin: germline. Not counted in ClinVar's aggregate classification.
Comment: This variant is classified as benign based on ACMG/AMP sequence variant interpretation guidelines (Richards et al. 2015 PMID: 25741868, with internal and published modifications).

Diagnostic Laboratory, Department of Genetics, University Medical Center Groningen
Classification: Benign. Review status: no assertion criteria provided. Collection method: clinical testing. Allele origin: germline. Affected: yes. Study: VKGL Data-share Consensus. Not counted in ClinVar's aggregate classification.

Dr. Peter K. Rogan Lab, Western University
No classification provided (evidence only). Condition: Familial cancer of breast. Review status: no classification provided. Collection method: in vitro. Allele origin: not applicable. Functional consequence: retained intron. Not counted in ClinVar's aggregate classification.

Joint Genome Diagnostic Labs from Nijmegen and Maastricht, Radboudumc and MUMC+
Classification: Benign. Review status: no assertion criteria provided. Collection method: clinical testing. Allele origin: germline. Affected: yes. Study: VKGL Data-share Consensus. Not counted in ClinVar's aggregate classification.

NM_004750.5(CRLF1):c.698-19T>G

Gene: CRLF1 (cytokine receptor like factor 1; minus strand). Cytogenetic location: 19p13.11.
Variant type: single nucleotide variant.
Coding change: c.698-19T>G on transcript NM_004750.5 (MANE Select); 19 bases into the intron before coding-DNA position 698, T replaced by G.
Molecular consequence: intron variant.
Genome position (GRCh38, 1-based): chr19:18,597,068, A>C on the plus strand (T>G on the coding strand, the complement: CRLF1 is on the minus strand). VCF-style: chr19-18597068-A-C. GRCh37 (hg19) VCF-style: chr19-18707878-A-C.
Other names: c.698-19T>G (NM_004750.4).
Identifiers: ClinVar variation 1174948 (VCV001174948.15), dbSNP rs7247346, ClinGen allele CA9314136.